The following is an entry in ClinVar:

ClinVar aggregate classification (germline): Uncertain significance (1 of 4 stars; one submission).

Conditions:
COG1 congenital disorder of glycosylation (CDG2G). Also called: CONGENITAL DISORDER OF GLYCOSYLATION, TYPE IIg; CDG IIg; CDGII/COG1 CEREBROCOSTOMANDIBULAR-LIKE SYNDROME. Identifiers: Orphanet 263508, MedGen C2931011, MONDO:0012637, OMIM 611209.

Submission:

Labcorp Genetics (formerly Invitae), Labcorp
Classification: Uncertain significance for COG1 congenital disorder of glycosylation. Last evaluated: 2021-11-13. Review status: criteria provided, single submitter. Criteria: Invitae Variant Classification Sherloc (09022015). Collection method: clinical testing. Allele origin: germline.
Comment: This variant is not present in population databases (gnomAD no frequency). In summary, the available evidence is currently insufficient to determine the role of this variant in disease. Therefore, it has been classified as a Variant of Uncertain Significance. Algorithms developed to predict the effect of missense changes on protein structure and function are either unavailable or do not agree on the potential impact of this missense change (SIFT: "Tolerated"; PolyPhen-2: "Possibly Damaging"; Align-GVGD: "Class C0"). This variant has not been reported in the literature in individuals affected with COG1-related conditions. This sequence change replaces aspartic acid, which is acidic and polar, with asparagine, which is neutral and polar, at codon 283 of the COG1 protein (p.Asp283Asn).

NM_018714.3(COG1):c.847G>A (p.Asp283Asn)

Gene: COG1 (component of oligomeric golgi complex 1; plus strand). Cytogenetic location: 17q25.1.
Variant type: single nucleotide variant.
Coding change: c.847G>A on transcript NM_018714.3 (MANE Select); coding-DNA position 847, G replaced by A.
Protein change: p.Asp283Asn; replaces aspartic acid 283 with asparagine.
Molecular consequence: missense variant.
Genome position (GRCh38, 1-based): chr17:73,197,330, G>A. VCF-style: chr17-73197330-G-A. GRCh37 (hg19) VCF-style: chr17-71193469-G-A.
Other names: short protein forms D283N.
Identifiers: ClinVar variation 1448895 (VCV001448895.6), dbSNP rs2145093457, ClinGen allele CA400886129.